The following is an entry in ClinVar:

NM_001458.5(FLNC):c.4769T>G (p.Ile1590Ser)

Gene: FLNC (filamin C; plus strand). Cytogenetic location: 7q32.1.
Variant type: single nucleotide variant.
Coding change: c.4769T>G on transcript NM_001458.5 (MANE Select); coding-DNA position 4769, T replaced by G.
Protein change: p.Ile1590Ser; replaces isoleucine 1590 with serine.
Molecular consequence: missense variant.
Genome position (GRCh38, 1-based): chr7:128,848,824, T>G. VCF-style: chr7-128848824-T-G. GRCh37 (hg19) VCF-style: chr7-128488878-T-G.
Other names: c.4769T>G, p.Ile1590Ser (NM_001127487.2); short protein forms I1590S.
Identifiers: ClinVar variation 1037852 (VCV001037852.9), dbSNP rs1808679455, ClinGen allele CA369202994.

ClinVar aggregate classification (germline): Uncertain significance (1 of 4 stars; one submission).

Conditions:
Hypertrophic cardiomyopathy 26. Also called: Cardiomyopathy, familial hypertrophic, 26. Identifiers: Orphanet 75249, MedGen C4310749, MONDO:0014883, OMIM 617047.
Distal myopathy with posterior leg and anterior hand involvement. Also called: WILLIAMS DISTAL MYOPATHY. Identifiers: Orphanet 63273, MedGen C3279722, MONDO:0013550, OMIM 614065.
Myofibrillar myopathy 5. Also called: FILAMINOPATHY, AUTOSOMAL DOMINANT; Filaminopathy (type). Identifiers: Orphanet 171445, MedGen C1836050, MONDO:0012289, OMIM 609524.

Submission:

Labcorp Genetics (formerly Invitae), Labcorp
Classification: Uncertain significance for Distal myopathy with posterior leg and anterior hand involvement; Myofibrillar myopathy 5; Hypertrophic cardiomyopathy 26. Last evaluated: 2022-06-20. Review status: criteria provided, single submitter. Criteria: Invitae Variant Classification Sherloc (09022015). Collection method: clinical testing. Allele origin: germline.
Comment: This sequence change replaces isoleucine, which is neutral and non-polar, with serine, which is neutral and polar, at codon 1590 of the FLNC protein (p.Ile1590Ser). This variant is not present in population databases (gnomAD no frequency). In summary, the available evidence is currently insufficient to determine the role of this variant in disease. Therefore, it has been classified as a Variant of Uncertain Significance. Algorithms developed to predict the effect of missense changes on protein structure and function are either unavailable or do not agree on the potential impact of this missense change (SIFT: "Deleterious"; PolyPhen-2: "Probably Damaging"; Align-GVGD: "Class C0"). ClinVar contains an entry for this variant (Variation ID: 1037852). This variant has not been reported in the literature in individuals affected with FLNC-related conditions.